The following is an entry in ClinVar:

ClinVar aggregate classification (germline): Conflicting classifications of pathogenicity. Review status: criteria provided, conflicting classifications (1 of 4 stars). 9 submissions from 9 submitters: Uncertain significance (1); Benign (1); Likely benign (7). Last evaluated 2026-01-31.

Conditions:
Lynch syndrome. Identifiers: Orphanet 144, MedGen C4552100, MONDO:0005835. Disease mechanism: loss of function.
Hereditary nonpolyposis colorectal neoplasms. Identifiers: MedGen C0009405, MeSH D003123.
Lynch syndrome 5 (LYNCH5). Also called: Hereditary non-polyposis colorectal cancer, type 5; Colorectal cancer, hereditary nonpolyposis, type 5. Identifiers: Orphanet 144, MedGen C1833477, MONDO:0013710, OMIM 614350. Disease mechanism: loss of function.
Hereditary cancer-predisposing syndrome. Also called: Hereditary Cancer Syndrome; Hereditary neoplastic syndrome; Neoplastic Syndromes, Hereditary; Tumor predisposition. Identifiers: Orphanet 140162, MedGen C0027672, MeSH D009386, MONDO:0015356.

Allele frequency attached by ClinVar (database versions not stated): gnomAD exomes below 0.00001; gnomAD 0.00001; TOPMed 0.00003.
gnomAD v4.1: 7 of 1,566,482 alleles (0.00045%); highest among the groups gnomAD compares: Admixed American, 0.0019%; no homozygotes.

Submissions (9):

Labcorp Genetics (formerly Invitae), Labcorp
Classification: Likely benign for Hereditary nonpolyposis colorectal neoplasms. Last evaluated: 2026-01-31. Review status: criteria provided, single submitter. Criteria: Invitae Variant Classification Sherloc (09022015). Collection method: clinical testing. Allele origin: germline.

Molecular Diagnostics Laboratory, Catalan Institute of Oncology
Classification: Uncertain significance for Hereditary cancer-predisposing syndrome. Last evaluated: 2025-02-24. Review status: criteria provided, single submitter. Criteria: MMR VCEP Paper Draft V3.1. Collection method: clinical testing. Allele origin: germline.
Comment: PM2_Supporting, BP4 c.3015A>G located in exon 4 of the MSH6 gene is predicted to result in no amino acid change, p.(Arg1005=)(BP7). This variant is found in 1/28340 with a filtering allele frequency of 0.0004% in the gnomAD v2.1.1 database (PM2_Supporting). In silico analyses are inconclusive regarding the effect this variant may have on protein and splicing (Prior Utah splicing de novo Score: 0.3). To our knowledge, neither relevant clinical data nor functional studies have been reported for this variant. This variant has been reported in ClinVar database (6x as likely benign, 1x benign) but not neither in LOVD nor Insight databases. Based on currently available information, the variant c.3015A>G is classified as an uncertain significance variant according to MMR-specific InSIGHT Guidelines, Draft v3.1.

Myriad Genetics, Inc.
Classification: Benign for Lynch syndrome 5. Last evaluated: 2025-01-02. Review status: criteria provided, single submitter. Criteria: Myriad Autosomal Dominant, Autosomal Recessive and X-Linked Classification Criteria (2023). Collection method: clinical testing. Allele origin: unknown.
Comment: This variant is considered benign. This variant is a silent/synonymous amino acid change and it is not expected to impact splicing.

All of Us Research Program, National Institutes of Health
Classification: Likely benign for Lynch syndrome. Last evaluated: 2023-12-13. Review status: criteria provided, single submitter. Criteria: ACMG Guidelines, 2015. Collection method: clinical testing. Allele origin: germline. Inheritance: Autosomal dominant inheritance. Observed: 6 variant alleles, 6 heterozygotes.
Comment: This study involves interpretation of variants in research participants for the purpose of population health screening. Participant phenotype was not available at the time of variant classification. Additional details can be found in publication PMID: 35346344, PMCID: PMC8962531

GeneDx
Classification: Likely benign. Last evaluated: 2021-09-20. Review status: criteria provided, single submitter. Criteria: GeneDx Variant Classification Process June 2021. Collection method: clinical testing. Allele origin: germline. Affected: yes.

Women's Health and Genetics/Laboratory Corporation of America, LabCorp
Classification: Likely benign. Last evaluated: 2021-08-23. Review status: criteria provided, single submitter. Criteria: LabCorp Variant Classification Summary - May 2015. Collection method: clinical testing. Allele origin: germline.

Sema4
Classification: Likely benign for Hereditary cancer-predisposing syndrome. Last evaluated: 2020-10-13. Review status: criteria provided, single submitter. Criteria: Sema4 Curation Guidelines. Collection method: curation. Allele origin: germline.

Color Diagnostics, LLC DBA Color Health
Classification: Likely benign for Hereditary cancer-predisposing syndrome. Last evaluated: 2016-07-18. Review status: criteria provided, single submitter. Criteria: ACMG Guidelines, 2015. Collection method: clinical testing. Allele origin: germline.

Ambry Genetics
Classification: Likely benign for Hereditary cancer-predisposing syndrome. Last evaluated: 2015-04-20. Review status: criteria provided, single submitter. Criteria: Ambry Variant Classification Scheme 2023. Collection method: clinical testing. Allele origin: germline.

NM_000179.3(MSH6):c.3015A>G (p.Arg1005=)

Gene: MSH6 (mutS homolog 6; plus strand). Cytogenetic location: 2p16.3.
Variant type: single nucleotide variant.
Coding change: c.3015A>G on transcript NM_000179.3 (MANE Select); coding-DNA position 3015, A replaced by G.
Protein change: p.Arg1005=; no amino-acid change (arginine 1005 retained).
Molecular consequence: synonymous variant.
Genome position (GRCh38, 1-based): chr2:47,800,998, A>G. VCF-style: chr2-47800998-A-G. GRCh37 (hg19) VCF-style: chr2-48028137-A-G.
Other names: c.2625A>G, p.Arg875= (NM_001281492.2); c.2109A>G, p.Arg703= (NM_001281493.2, NM_001281494.2).
Identifiers: ClinVar variation 388555 (VCV000388555.24), dbSNP rs990650403, ClinGen allele CA16604192.